The following is an entry in ClinVar:

NM_001458.5(FLNC):c.4457G>T (p.Gly1486Val)

Gene: FLNC (filamin C; plus strand). Cytogenetic location: 7q32.1.
Variant type: single nucleotide variant.
Coding change: c.4457G>T on transcript NM_001458.5 (MANE Select); coding-DNA position 4457, G replaced by T.
Protein change: p.Gly1486Val; replaces glycine 1486 with valine.
Molecular consequence: missense variant.
Genome position (GRCh38, 1-based): chr7:128,847,945, G>T. VCF-style: chr7-128847945-G-T. GRCh37 (hg19) VCF-style: chr7-128487999-G-T.
Other names: c.4457G>T (NM_001458.4); c.4457G>T, p.Gly1486Val (NM_001127487.2); short protein forms G1486V.
Identifiers: ClinVar variation 1513438 (VCV001513438.9), dbSNP rs767473791, ClinGen allele CA4475349.

ClinVar aggregate classification (germline): Uncertain significance. Review status: criteria provided, multiple submitters, no conflicts (2 of 4 stars). 2 submissions from 2 submitters: Uncertain significance (2). Last evaluated 2025-09-25.

Conditions:
Myofibrillar myopathy 5. Also called: Filaminopathy (type); FILAMINOPATHY, AUTOSOMAL DOMINANT. Identifiers: Orphanet 171445, MedGen C1836050, MONDO:0012289, OMIM 609524.
Distal myopathy with posterior leg and anterior hand involvement. Also called: WILLIAMS DISTAL MYOPATHY. Identifiers: Orphanet 63273, MedGen C3279722, MONDO:0013550, OMIM 614065.
Hypertrophic cardiomyopathy 26. Also called: Cardiomyopathy, familial hypertrophic, 26. Identifiers: Orphanet 75249, MedGen C4310749, MONDO:0014883, OMIM 617047.
Cardiovascular phenotype. Identifiers: MedGen CN230736.

Allele frequency attached by ClinVar (database versions not stated): ExAC 0.00001; gnomAD 0.00002.
gnomAD v4.1: 5 of 1,613,482 alleles (0.00031%); highest among the groups gnomAD compares: African/African-American, 0.0053%; no homozygotes.

Submissions (2):

Ambry Genetics
Classification: Uncertain significance for Cardiovascular phenotype. Last evaluated: 2025-09-25. Review status: criteria provided, single submitter. Criteria: Ambry Variant Classification Scheme 2023. Collection method: clinical testing. Allele origin: germline.
Comment: The p.G1486V variant (also known as c.4457G>T) is located in coding exon 26 of the FLNC gene. The glycine at codon 1486 is replaced by valine, an amino acid with dissimilar properties. This change occurs in the first base pair of coding exon 26. This amino acid position is highly conserved in available vertebrate species. In addition, this alteration is predicted to be deleterious by in silico analysis. Based on the available evidence, the clinical significance of this variant remains unclear.

Labcorp Genetics (formerly Invitae), Labcorp
Classification: Uncertain significance for Distal myopathy with posterior leg and anterior hand involvement; Myofibrillar myopathy 5; Hypertrophic cardiomyopathy 26. Last evaluated: 2024-05-13. Review status: criteria provided, single submitter. Criteria: Invitae Variant Classification Sherloc (09022015). Collection method: clinical testing. Allele origin: germline.
Comment: This sequence change replaces glycine, which is neutral and non-polar, with valine, which is neutral and non-polar, at codon 1486 of the FLNC protein (p.Gly1486Val). This variant is present in population databases (rs767473791, gnomAD 0.008%). This variant has not been reported in the literature in individuals affected with FLNC-related conditions. ClinVar contains an entry for this variant (Variation ID: 1513438). An algorithm developed to predict the effect of missense changes on protein structure and function (PolyPhen-2) suggests that this variant is likely to be disruptive. In summary, the available evidence is currently insufficient to determine the role of this variant in disease. Therefore, it has been classified as a Variant of Uncertain Significance.